The following is an entry in ClinVar:

ClinVar aggregate classification (germline): Likely benign (0 of 4 stars; one submission).

Conditions:
DAB1-related disorder. Also called: DAB1-related condition.

Allele frequency attached by ClinVar (database versions not stated): ExAC 0.00001.
gnomAD v4.1: 16 of 1,610,184 alleles (0.00099%); highest among the groups gnomAD compares: East Asian, 0.0022%; no homozygotes.

Submission:

PreventionGenetics, part of Exact Sciences
Classification: Likely benign for DAB1-related condition. Last evaluated: 2023-07-13. Review status: no assertion criteria provided. Collection method: clinical testing. Allele origin: germline.
Comment: This variant is classified as likely benign based on ACMG/AMP sequence variant interpretation guidelines (Richards et al. 2015 PMID: 25741868, with internal and published modifications).

NM_001365792.1(DAB1):c.42C>T (p.Ser14=)

Gene: DAB1 (DAB adaptor protein 1; minus strand). Cytogenetic location: 1p32.2.
Variant type: single nucleotide variant.
Coding change: c.42C>T on transcript NM_001365792.1 (MANE Select); coding-DNA position 42, C replaced by T.
Protein change: p.Ser14=; no amino-acid change (serine 14 retained).
Molecular consequence: synonymous variant.
Genome position (GRCh38, 1-based): chr1:57,290,989, G>A on the plus strand (C>T on the coding strand, the complement: DAB1 is on the minus strand). VCF-style: chr1-57290989-G-A. GRCh37 (hg19) VCF-style: chr1-57756661-G-A.
Other names: c.42C>T, p.Ser14= (NM_001353980.2, NM_001353983.2, NM_001353985.2 and 8 more transcripts).
Identifiers: ClinVar variation 3030885 (VCV003030885.2), dbSNP rs749634644, ClinGen allele CA876711.